The following is an entry in ClinVar:

ClinVar aggregate classification (germline): Uncertain significance (1 of 4 stars; one submission).

gnomAD v4.1: 3 of 1,609,842 alleles (0.00019%); highest among the groups gnomAD compares: East Asian, 0.0045%; no homozygotes.

Submission:

Labcorp Genetics (formerly Invitae), Labcorp
Classification: Uncertain significance. Last evaluated: 2025-05-05. Review status: criteria provided, single submitter. Criteria: Invitae Variant Classification Sherloc (09022015). Collection method: clinical testing. Allele origin: germline.
Comment: This sequence change replaces cysteine, which is neutral and slightly polar, with glycine, which is neutral and non-polar, at codon 553 of the ZNF408 protein (p.Cys553Gly). This variant is present in population databases (no rsID available, gnomAD 0.003%). This variant has not been reported in the literature in individuals affected with ZNF408-related conditions. An algorithm developed to predict the effect of missense changes on protein structure and function (PolyPhen-2) suggests that this variant is likely to be disruptive. In summary, the available evidence is currently insufficient to determine the role of this variant in disease. Therefore, it has been classified as a Variant of Uncertain Significance.

NM_024741.3(ZNF408):c.1657T>G (p.Cys553Gly)

Gene: ZNF408 (zinc finger protein 408; plus strand). Cytogenetic location: 11p11.2.
Variant type: single nucleotide variant.
Coding change: c.1657T>G on transcript NM_024741.3 (MANE Select); coding-DNA position 1657, T replaced by G.
Protein change: p.Cys553Gly; replaces cysteine 553 with glycine.
Molecular consequence: missense variant.
Genome position (GRCh38, 1-based): chr11:46,705,357, T>G. VCF-style: chr11-46705357-T-G. GRCh37 (hg19) VCF-style: chr11-46726907-T-G.
Other names: c.1633T>G, p.Cys545Gly (NM_001184751.2); short protein forms C553G, C545G.
Identifiers: ClinVar variation 4693893 (VCV004693893.1).
Genomic context (GRCh38, chr11:46,705,357, plus strand): 5'-TTCCCCCAGCTGCCTGAACTGCGGCGCCATCTCATCTCACACACCGGGGAGGCCCACTTG[T>G]GCCCGGTGTGTGGCAAGGCCCTCCGAGACCCACACACGCTCCGAGCTCACGAGCGCCTGC-3'
Protein context (NP_079017.1, residues 543-563): LISHTGEAHL[Cys553Gly]PVCGKALRDP